The following is an entry in ClinVar:

NM_004958.4(MTOR):c.1566C>A (p.Tyr522Ter)

Gene: MTOR (mechanistic target of rapamycin kinase; minus strand). Cytogenetic location: 1p36.22.
Variant type: single nucleotide variant.
Coding change: c.1566C>A on transcript NM_004958.4 (MANE Select); coding-DNA position 1566, C replaced by A.
Protein change: p.Tyr522Ter; replaces tyrosine 522 with a stop codon.
Molecular consequence: nonsense.
Genome position (GRCh38, 1-based): chr1:11,240,523, G>T on the plus strand (C>A on the coding strand, the complement: MTOR is on the minus strand). VCF-style: chr1-11240523-G-T. GRCh37 (hg19) VCF-style: chr1-11300580-G-T.
Other names: c.1566C>A, p.Tyr522Ter (NM_001386500.1); c.318C>A, p.Tyr106Ter (NM_001386501.1); short protein forms Y106*, Y522*.
Identifiers: ClinVar variation 3907837 (VCV003907837.1).

ClinVar aggregate classification (germline): Uncertain significance (1 of 4 stars; one submission).

Submission:

GeneDx
Classification: Uncertain significance. Last evaluated: 2024-12-26. Review status: criteria provided, single submitter. Criteria: GeneDx Variant Classification Process June 2021. Collection method: clinical testing. Allele origin: germline. Affected: yes.
Comment: Nonsense variant predicted to result in protein truncation or nonsense mediated decay in a gene for which loss-of-function is not a known mechanism of disease; Not observed at significant frequency in large population cohorts (gnomAD); Has not been previously published as pathogenic or benign to our knowledge